The following is an entry in ClinVar:

NM_005097.4(LGI1):c.359+14_359+15delinsA

Gene: LGI1 (leucine rich glioma inactivated 1; plus strand). Cytogenetic location: 10q23.33.
Variant type: Indel.
Coding change: c.359+14_359+15delinsA on transcript NM_005097.4 (MANE Select); bases 14 to 15 of the intron after coding-DNA position 359, CT replaced by A.
Molecular consequence: intron variant.
Genome position (GRCh38, 1-based): chr10:93,777,464-93,777,465, CT replaced by A. VCF-style: chr10-93777464-CT-A. GRCh37 (hg19) VCF-style: chr10-95537221-CT-A.
Other names: c.359+14_359+15delinsA (NM_001308275.2); c.288-12635_288-12634delinsA (NM_001308276.2).
Identifiers: ClinVar variation 421745 (VCV000421745.2), dbSNP rs1064795339, ClinGen allele CA16619082.
Genomic context (GRCh38, chr10:93,777,464, plus strand): 5'-GTGATCAGTGATGATGCTTTTATTGGTCTTCCACATCTAGAGTATTTGTAAGTAAAAAAG[CT>A]TTTTTAAAACATGATGATTCAGGACAAGTACTCTCAAGTTCCTGTAACTGTTTGACAAAA-3'

ClinVar aggregate classification (germline): Likely benign. Review status: criteria provided, multiple submitters, no conflicts (2 of 4 stars). 2 submissions from 2 submitters: Likely benign (2). Last evaluated 2025-06-06.

Submissions (2):

Women's Health and Genetics/Laboratory Corporation of America, LabCorp
Classification: Likely benign. Last evaluated: 2025-06-06. Review status: criteria provided, single submitter. Criteria: LabCorp Variant Classification Summary - May 2015. Collection method: clinical testing. Allele origin: germline.
Comment: Variant summary: LGI1 c.359+14_359+15delinsA alters a nucleotide located at a position not widely known to affect splicing. Consensus agreement among computation tools predict no significant impact on normal splicing. However, these predictions have yet to be confirmed by functional studies. The variant was absent in 1612956 control chromosomes. The available data on variant occurrences in the general population are insufficient to allow any conclusion about variant significance. To our knowledge, no occurrence of c.359+14_359+15delinsA in individuals affected with Epilepsy, Familial Temporal Lobe, 1 and no experimental evidence demonstrating its impact on protein function have been reported. ClinVar contains an entry for this variant (Variation ID: 421745). Based on the evidence outlined above, the variant was classified as likely benign.

GeneDx
Classification: Likely benign. Last evaluated: 2016-07-26. Review status: criteria provided, single submitter. Criteria: GeneDx Variant Classification (06012015). Collection method: clinical testing. Allele origin: germline. Affected: yes.
Comment: This variant is considered likely benign or benign based on one or more of the following criteria: it is a conservative change, it occurs at a poorly conserved position in the protein, it is predicted to be benign by multiple in silico algorithms, and/or has population frequency not consistent with disease.